The following is an entry in ClinVar:

NM_001035.3(RYR2):c.11552A>G (p.Asn3851Ser)

Gene: RYR2 (ryanodine receptor 2; plus strand). Cytogenetic location: 1q43.
Variant type: single nucleotide variant.
Coding change: c.11552A>G on transcript NM_001035.3 (MANE Select); coding-DNA position 11552, A replaced by G.
Protein change: p.Asn3851Ser; replaces asparagine 3851 with serine.
Molecular consequence: missense variant.
Genome position (GRCh38, 1-based): chr1:237,770,882, A>G. VCF-style: chr1-237770882-A-G. GRCh37 (hg19) VCF-style: chr1-237934182-A-G.
Other names: c.11552A>G, p.Asn3851Ser (LRG_402t1); short protein forms N3851S.
Identifiers: ClinVar variation 532323 (VCV000532323.25), dbSNP rs967116157, ClinGen allele CA39815825.

ClinVar aggregate classification (germline): Uncertain significance. Review status: criteria provided, multiple submitters, no conflicts (2 of 4 stars). 9 submissions from 8 submitters: Uncertain significance (9). Last evaluated 2025-10-19.

Conditions:
RYR2-related disorder. Also called: RYR2-related condition.
Catecholaminergic polymorphic ventricular tachycardia (CVPT). Also called: Catecholamine-induced polymorphic ventricular tachycardia. Identifiers: Orphanet 3286, MedGen C5574922, MONDO:0017990.
Cardiomyopathy (CMYO). Also called: Cardiomyopathies. Identifiers: Orphanet 167848, MedGen C0878544, MONDO:0004994, HP:0001638. Inheritance: Various modes of inheritance.
Arrhythmogenic right ventricular dysplasia 2. Identifiers: MedGen C1832931.
Cardiovascular phenotype. Identifiers: MedGen CN230736.
Catecholaminergic polymorphic ventricular tachycardia 1. Also called: VENTRICULAR TACHYCARDIA, STRESS-INDUCED POLYMORPHIC 1; VENTRICULAR TACHYCARDIA, CATECHOLAMINERGIC POLYMORPHIC, 1, WITH OR WITHOUT ATRIAL DYSFUNCTION AND/OR DILATED CARDIOMYOPATHY; RYR2-Related Catecholaminergic Polymorphic Ventricular Tachycardia. Identifiers: Orphanet 3286, MedGen C1631597, MONDO:0011484, OMIM 604772.

Allele frequency attached by ClinVar (database versions not stated): gnomAD 0.00001; TOPMed 0.00002; gnomAD exomes 0.00005.
gnomAD v4.1: 77 of 1,543,336 alleles (0.005%); highest among the groups gnomAD compares: Non-Finnish European, 0.0061%; no homozygotes.

Submissions (9):

Labcorp Genetics (formerly Invitae), Labcorp
Classification: Uncertain significance for Catecholaminergic polymorphic ventricular tachycardia 1. Last evaluated: 2025-10-19. Review status: criteria provided, single submitter. Criteria: Invitae Variant Classification Sherloc (09022015). Collection method: clinical testing. Allele origin: germline.
Comment: This sequence change replaces asparagine, which is neutral and polar, with serine, which is neutral and polar, at codon 3851 of the RYR2 protein (p.Asn3851Ser). This variant is not present in population databases (gnomAD no frequency). This variant has not been reported in the literature in individuals affected with RYR2-related conditions. ClinVar contains an entry for this variant (Variation ID: 532323). Invitae Evidence Modeling of protein sequence and biophysical properties (such as structural, functional, and spatial information, amino acid conservation, physicochemical variation, residue mobility, and thermodynamic stability) indicates that this missense variant is expected to disrupt RYR2 protein function with a positive predictive value of 95%. In summary, the available evidence is currently insufficient to determine the role of this variant in disease. Therefore, it has been classified as a Variant of Uncertain Significance.

PreventionGenetics, part of Exact Sciences
Classification: Uncertain significance for RYR2-related condition. Last evaluated: 2024-10-14. Review status: criteria provided, single submitter. Criteria: ACMG Guidelines, 2015. Collection method: clinical testing. Allele origin: germline.
Comment: The RYR2 c.11552A>G variant is predicted to result in the amino acid substitution p.Asn3851Ser. To our knowledge, this variant has not been reported in the literature or in a large population database (gnomAD), indicating this variant is rare. At this time, the clinical significance of this variant is uncertain due to the absence of conclusive functional and genetic evidence.

All of Us Research Program, National Institutes of Health
Classification: Uncertain significance for Catecholaminergic polymorphic ventricular tachycardia. Last evaluated: 2024-05-30. Review status: criteria provided, single submitter. Criteria: ACMG Guidelines, 2015. Collection method: clinical testing. Allele origin: germline. Inheritance: Autosomal dominant inheritance. Observed: 12 variant alleles, 12 heterozygotes.
Comment: Variant of Uncertain Significance due to insufficient evidence: This missense variant is located in the cytoplasmic domain of the RYR2 protein. Computational prediction tools and conservation analyses are inconclusive regarding the impact of this variant on the protein function. Computational splicing tools suggest that this variant may not impact RNA splicing. To our knowledge, functional assays have not been performed for this variant nor has this variant been reported in individuals affected with cardiovascular disorders in the literature. This variant is rare in the general population and has been identified in 0/277264 chromosomes by the Genome Aggregation Database (gnomAD). Available evidence is insufficient to determine the pathogenicity of this variant conclusively.

This study involves interpretation of variants in research participants for the purpose of population health screening. Participant phenotype was not available at the time of variant classification. Additional details can be found in publication PMID: 35346344, PMCID: PMC8962531

Color Diagnostics, LLC DBA Color Health
Classification: Uncertain significance for Cardiomyopathy. Last evaluated: 2024-03-06. Review status: criteria provided, single submitter. Criteria: ACMG Guidelines, 2015. Collection method: clinical testing. Allele origin: germline.
Comment: This missense variant replaces asparagine with serine at codon 3851 of the RYR2 protein. Computational prediction is inconclusive regarding the impact of this variant on protein structure and function (internally defined REVEL score threshold 0.5 < inconclusive < 0.7, PMID: 27666373). To our knowledge, functional studies have not been reported for this variant. This variant has not been reported in individuals affected with RYR2-related disorders in the literature. This variant has not been identified in the general population by the Genome Aggregation Database (gnomAD). The available evidence is insufficient to determine the role of this variant in disease conclusively. Therefore, this variant is classified as a Variant of Uncertain Significance.

GeneDx
Classification: Uncertain significance. Last evaluated: 2022-07-19. Review status: criteria provided, single submitter. Criteria: GeneDx Variant Classification Process June 2021. Collection method: clinical testing. Allele origin: germline. Affected: yes.
Comment: Not observed at significant frequency in large population cohorts (gnomAD); In silico analysis supports that this missense variant has a deleterious effect on protein structure/function; Has not been previously published as pathogenic or benign to our knowledge; Located in one of the three hot-spot regions of the RYR2 gene, where the majority of pathogenic missense variants occur (Medeiros-Domingo et al., 2009)

Blueprint Genetics
Classification: Uncertain significance. Last evaluated: 2021-01-11. Review status: criteria provided, single submitter. Criteria: ACMG Guidelines, 2015. Collection method: clinical testing. Allele origin: germline.

Ambry Genetics
Classification: Uncertain significance for Cardiovascular phenotype. Last evaluated: 2020-08-12. Review status: criteria provided, single submitter. Criteria: Ambry Variant Classification Scheme 2023. Collection method: clinical testing. Allele origin: germline.
Comment: The p.N3851S variant (also known as c.11552A>G), located in coding exon 85 of the RYR2 gene, results from an A to G substitution at nucleotide position 11552. The asparagine at codon 3851 is replaced by serine, an amino acid with highly similar properties. This amino acid position is well conserved in available vertebrate species; however, serine is the reference amino acid in other vertebrate species. In addition, this alteration is predicted to be tolerated by in silico analysis. Since supporting evidence is limited at this time, the clinical significance of this alteration remains unclear.

Illumina Laboratory Services, Illumina
Classification: Uncertain significance for Catecholaminergic polymorphic ventricular tachycardia 1. Last evaluated: 2018-01-12. Review status: criteria provided, single submitter. Criteria: ICSL Variant Classification Criteria 13 December 2019. Collection method: clinical testing. Allele origin: germline.

Illumina Laboratory Services, Illumina
Classification: Uncertain significance for Catecholaminergic polymorphic ventricular tachycardia 1. Last evaluated: 2018-01-12. Review status: criteria provided, single submitter. Criteria: ICSL Variant Classification Criteria 13 December 2019. Collection method: clinical testing. Allele origin: germline.